The following is an entry in ClinVar:

ClinVar aggregate classification (germline): Likely pathogenic (1 of 4 stars; one submission).

Conditions:
Multiple gastrointestinal atresias. Also called: Multiple intestinal atresia; FAMILIAL INTESTINAL POLYATRESIA SYNDROME. Identifiers: Orphanet 2300, MedGen C0220744, MONDO:0009465.

Submission:

Labcorp Genetics (formerly Invitae), Labcorp
Classification: Likely pathogenic for Multiple gastrointestinal atresias. Last evaluated: 2019-02-26. Review status: criteria provided, single submitter. Criteria: Invitae Variant Classification Sherloc (09022015). Collection method: clinical testing. Allele origin: germline.
Comment: In summary, the currently available evidence indicates that the variant is pathogenic, but additional data are needed to prove that conclusively. Therefore, this variant has been classified as Likely Pathogenic. Loss-of-function variants in TTC7A are known to be pathogenic (PMID: 23830146, 24292712). This variant has not been reported in the literature in individuals with TTC7A-related conditions. The frequency data for this variant in the population databases is considered unreliable, as metrics indicate insufficient coverage at this position in the ExAC database. This variant is a deletion of the genomic region encompassing the consensus acceptor splice site in intron 3 and part of exon 4 (c.518-914_588del) of the TTC7A gene. It is expected to disrupt RNA splicing and likely results in an absent or disrupted protein product.

Literature cited by the submitters: PubMed 23830146; PubMed 24292712.

NM_020458.4(TTC7A):c.518-914_588del

Genes: TTC7A (tetratricopeptide repeat domain 7A; plus strand), LOC126806211 (CDK7 strongly-dependent group 2 enhancer GRCh37_chr2:47201305-47202504; plus strand). Cytogenetic location: 2p21.
Variant type: Deletion.
Coding change: c.518-914_588del on transcript NM_020458.4 (MANE Select); 914 bases into the intron before coding-DNA position 518 through coding-DNA position 588, 985 bases deleted.
Molecular consequence: splice acceptor variant.
Genome position (GRCh38, 1-based): chr2:46,974,059-46,975,043, 985 bases deleted. GRCh37 (hg19): chr2:47,201,198-47,202,182.
Other names: c.416-914_486del (NM_001288953.2); c.518-914_588del (NM_001288951.2); c.-387-914_-317del (NM_001288955.2).
Identifiers: ClinVar variation 848991 (VCV000848991.8), dbSNP rs1673619175, ClinGen allele CA916082528.